The following is an entry in ClinVar:

ClinVar aggregate classification (germline): Pathogenic (1 of 4 stars; one submission).

Conditions:
Bifunctional peroxisomal enzyme deficiency (DBIF). Also called: DBP DEFICIENCY; PBFE DEFICIENCY; D-bifunctional protein deficiency. Identifiers: Orphanet 300, MedGen C0342870, MONDO:0009855, OMIM 261515. Disease mechanism: loss of function.
Perrault syndrome. Also called: Gonadal dysgenesis with auditory dysfunction, autosomal recessive inheritance. Identifiers: Orphanet 2855, MedGen C0685838, MONDO:0017312.

Submission:

Labcorp Genetics (formerly Invitae), Labcorp
Classification: Pathogenic for Perrault syndrome; Bifunctional peroxisomal enzyme deficiency. Last evaluated: 2019-08-07. Review status: criteria provided, single submitter. Criteria: Invitae Variant Classification Sherloc (09022015). Collection method: clinical testing. Allele origin: germline.
Comment: Loss-of-function variants in HSD17B4 are known to be pathogenic (PMID: 11810648, 16385454). This sequence change creates a premature translational stop signal (p.Ser554Cysfs*79) in the HSD17B4 gene. It is expected to result in an absent or disrupted protein product. This variant is not present in population databases (ExAC no frequency). This variant has not been reported in the literature in individuals with HSD17B4-related conditions. For these reasons, this variant has been classified as Pathogenic.

Literature cited by the submitters: PubMed 11810648; PubMed 16385454.

NM_000414.4(HSD17B4):c.1659_1660dup (p.Ser554fs)

Gene: HSD17B4 (hydroxysteroid 17-beta dehydrogenase 4; plus strand). Cytogenetic location: 5q23.1.
Variant type: Microsatellite.
Coding change: c.1659_1660dup on transcript NM_000414.4 (MANE Select); coding-DNA positions 1659 to 1660, 2 bases duplicated (GT; older notation c.1659_1660dupGT).
Protein change: p.Ser554fs; shifts the reading frame from serine 554.
Molecular consequence: frameshift variant. On other transcripts: non-coding transcript variant (2).
Genome position (GRCh38, 1-based): chr5:119,526,002-119,526,003, GT duplicated; duplicating any 2 consecutive bases within chr5:119,525,999-119,526,003 gives the same sequence; the c. name uses the placement nearest the transcript's 3' end. VCF-style (leftmost placement, unchanged base first): chr5-119525998-A-ATG. GRCh37 (hg19) VCF-style: chr5-118861693-A-ATG.
Other names: c.1734_1735dup, p.Ser579fs (NM_001199291.3); c.1605_1606dup, p.Ser536fs (NM_001199292.2); c.1587_1588dup, p.Ser530fs (NM_001292027.2, NM_001374498.1); c.1239_1240dup, p.Ser414fs (NM_001292028.2); c.1650_1651dup, p.Ser551fs (NM_001374497.1); c.1332_1333dup, p.Ser445fs (NM_001374499.1); c.1218_1219dup, p.Ser407fs (NM_001374500.1); c.1248_1249dup, p.Ser417fs (NM_001374501.1, NM_001374502.1, NM_001374503.1); short protein forms S445fs, S417fs, S554fs, S579fs, S414fs, S530fs, S536fs, S551fs.
Identifiers: ClinVar variation 949620 (VCV000949620.7), dbSNP rs1753560558, ClinGen allele CA1577044239.